The following is an entry in ClinVar:

NM_006922.4(SCN3A):c.3002T>A (p.Met1001Lys)

Gene: SCN3A (sodium voltage-gated channel alpha subunit 3; minus strand). Cytogenetic location: 2q24.3.
Variant type: single nucleotide variant.
Coding change: c.3002T>A on transcript NM_006922.4 (MANE Select); coding-DNA position 3002, T replaced by A.
Protein change: p.Met1001Lys; replaces methionine 1001 with lysine.
Molecular consequence: missense variant.
Genome position (GRCh38, 1-based): chr2:165,128,022, A>T on the plus strand (T>A on the coding strand, the complement: SCN3A is on the minus strand). VCF-style: chr2-165128022-A-T. GRCh37 (hg19) VCF-style: chr2-165984532-A-T.
Other names: c.2855T>A, p.Met952Lys (NM_001081676.2, NM_001081677.2); short protein forms M952K, M1001K.
Identifiers: ClinVar variation 2822213 (VCV002822213.3), dbSNP rs2468237234, ClinGen allele CA349041468.

ClinVar aggregate classification (germline): Uncertain significance (1 of 4 stars; one submission).

Allele frequency attached by ClinVar (database versions not stated): gnomAD exomes below 0.00001.

Submission:

Labcorp Genetics (formerly Invitae), Labcorp
Classification: Uncertain significance. Last evaluated: 2023-01-15. Review status: criteria provided, single submitter. Criteria: Invitae Variant Classification Sherloc (09022015). Collection method: clinical testing. Allele origin: germline.
Comment: In summary, the available evidence is currently insufficient to determine the role of this variant in disease. Therefore, it has been classified as a Variant of Uncertain Significance. Advanced modeling of protein sequence and biophysical properties (such as structural, functional, and spatial information, amino acid conservation, physicochemical variation, residue mobility, and thermodynamic stability) has been performed at Invitae for this missense variant, however the output from this modeling did not meet the statistical confidence thresholds required to predict the impact of this variant on SCN3A protein function. This variant has not been reported in the literature in individuals affected with SCN3A-related conditions. This variant is not present in population databases (gnomAD no frequency). This sequence change replaces methionine, which is neutral and non-polar, with lysine, which is basic and polar, at codon 1001 of the SCN3A protein (p.Met1001Lys).